The following is an entry in ClinVar:

ClinVar aggregate classification (germline): Uncertain significance (1 of 4 stars; one submission).

Conditions:
Familial hemophagocytic lymphohistiocytosis 3 (FHL3). Also called: UNC13D-Related Familial Hemophagocytic Lymphohistiocytosis (UNC13D-fHLH). Identifiers: Orphanet 540, MedGen C1837174, MONDO:0012146, OMIM 608898.

Allele frequency attached by ClinVar (database versions not stated): gnomAD exomes below 0.00001; 1000 Genomes Project 0.00020; ExAC 0.00001; gnomAD 0.00001; 1000 Genomes Project 30x 0.00016.
gnomAD v4.1: 1 of 1,614,008 alleles (0.000062%); highest among the groups gnomAD compares: Admixed American, 0.0017%; no homozygotes.

Submission:

Labcorp Genetics (formerly Invitae), Labcorp
Classification: Uncertain significance for Familial hemophagocytic lymphohistiocytosis 3. Last evaluated: 2022-02-11. Review status: criteria provided, single submitter. Criteria: Invitae Variant Classification Sherloc (09022015). Collection method: clinical testing. Allele origin: germline.
Comment: This sequence change replaces lysine, which is basic and polar, with arginine, which is basic and polar, at codon 235 of the UNC13D protein (p.Lys235Arg). This variant is present in population databases (rs548198637, gnomAD 0.003%). This variant has not been reported in the literature in individuals affected with UNC13D-related conditions. Algorithms developed to predict the effect of missense changes on protein structure and function are either unavailable or do not agree on the potential impact of this missense change (SIFT: "Not Available"; PolyPhen-2: "Probably Damaging"; Align-GVGD: "Not Available"). In summary, the available evidence is currently insufficient to determine the role of this variant in disease. Therefore, it has been classified as a Variant of Uncertain Significance.

NM_199242.3(UNC13D):c.704A>G (p.Lys235Arg)

Gene: UNC13D (unc-13 homolog D; minus strand). Cytogenetic location: 17q25.1.
Variant type: single nucleotide variant.
Coding change: c.704A>G on transcript NM_199242.3 (MANE Select); coding-DNA position 704, A replaced by G.
Protein change: p.Lys235Arg; replaces lysine 235 with arginine.
Molecular consequence: missense variant.
Genome position (GRCh38, 1-based): chr17:75,840,556, T>C on the plus strand (A>G on the coding strand, the complement: UNC13D is on the minus strand). VCF-style: chr17-75840556-T-C. GRCh37 (hg19) VCF-style: chr17-73836637-T-C.
Other names: short protein forms K235R.
Identifiers: ClinVar variation 1466468 (VCV001466468.3), dbSNP rs548198637, ClinGen allele CA8773318.